The following is an entry in ClinVar:

ClinVar aggregate classification (germline): Uncertain significance (1 of 4 stars; one submission).

gnomAD v4.1: 2 of 1,204,226 alleles (0.00017%); highest among the groups gnomAD compares: East Asian, 0.0059%; no homozygotes.

Submission:

GeneDx
Classification: Uncertain significance. Last evaluated: 2020-01-14. Review status: criteria provided, single submitter. Criteria: GeneDx Variant Classification Process June 2021. Collection method: clinical testing. Allele origin: germline. Affected: yes.
Comment: Not observed in large population cohorts (Lek et al., 2016); In silico analysis, which includes protein predictors and evolutionary conservation, supports that this variant does not alter protein structure/function; Has not been previously published as pathogenic or benign to our knowledge

NM_031407.7(HUWE1):c.10556C>T (p.Ala3519Val)

Gene: HUWE1 (HECT, UBA and WWE domain containing E3 ubiquitin protein ligase 1; minus strand). Cytogenetic location: Xp11.22.
Variant type: single nucleotide variant.
Coding change: c.10556C>T on transcript NM_031407.7 (MANE Select); coding-DNA position 10556, C replaced by T.
Protein change: p.Ala3519Val; replaces alanine 3519 with valine.
Molecular consequence: missense variant.
Genome position (GRCh38, 1-based): chrX:53,547,753, G>A on the plus strand (C>T on the coding strand, the complement: HUWE1 is on the minus strand). VCF-style: chrX-53547753-G-A. GRCh37 (hg19) VCF-style: chrX-53574714-G-A.
Other names: short protein forms A3519V.
Identifiers: ClinVar variation 1311894 (VCV001311894.2), dbSNP rs782241218, ClinGen allele CA413135340.
Genomic context (GRCh38, chrX:53,547,753, plus strand): 5'-GTCGTGGGGGTAGTCACTGTGGTCGAAGCAGCTACGACAATGGTGGAAATAGCCGTGGCA[G>A]CAACCAGGGCTGGAGCAGAAGTGACAGGGGTGGGTGCAGTAGGGGGTGTGGGCGTGGTGG-3'
Protein context (NP_113584.3, residues 3509-3529): TPVTSAPALV[Ala3519Val]ATAISTIVVA